The following is an entry in ClinVar:

ClinVar aggregate classification (germline): Likely benign. Review status: criteria provided, multiple submitters, no conflicts (2 of 4 stars). 2 submissions from 2 submitters: Likely benign (2). Last evaluated 2021-11-15.

Allele frequency attached by ClinVar (database versions not stated): 1000 Genomes Project 0.00359; 1000 Genomes Project 30x 0.00359; TOPMed 0.00754; gnomAD 0.00775 and 0.00796; gnomAD exomes 0.01092.
gnomAD v4.1: 13,563 of 1,290,728 alleles (1.1%); highest among the groups gnomAD compares: Non-Finnish European, 1.3%; 107 homozygotes.

Submissions (2):

GeneDx
Classification: Likely benign. Last evaluated: 2021-11-15. Review status: criteria provided, single submitter. Criteria: GeneDx Variant Classification Process June 2021. Collection method: clinical testing. Allele origin: germline. Affected: yes.
Comment: See Variant Classification Assertion Criteria.

Breakthrough Genomics
Classification: Likely benign. Review status: criteria provided, single submitter. Criteria: ACMG Guidelines, 2015. Collection method: not provided. Allele origin: germline. Inheritance: Autosomal recessive inheritance. Affected: yes.

NM_000443.4(ABCB4):c.80+114G>C

Gene: ABCB4 (ATP binding cassette subfamily B member 4; minus strand). Cytogenetic location: 7q21.12.
Variant type: single nucleotide variant.
Coding change: c.80+114G>C on transcript NM_000443.4 (MANE Select); 114 bases into the intron after coding-DNA position 80, G replaced by C.
Molecular consequence: intron variant.
Genome position (GRCh38, 1-based): chr7:87,475,272, C>G on the plus strand (G>C on the coding strand, the complement: ABCB4 is on the minus strand). VCF-style: chr7-87475272-C-G. GRCh37 (hg19) VCF-style: chr7-87104588-C-G.
Other names: c.80+114G>C (NM_018850.3, NM_018849.3).
Identifiers: ClinVar variation 1684061 (VCV001684061.3), dbSNP rs45619531, ClinGen allele CA12543102.